The following is an entry in ClinVar:

NM_001792.5(CDH2):c.441C>T (p.Phe147=)

Gene: CDH2 (cadherin 2; minus strand). Cytogenetic location: 18q12.1.
Variant type: single nucleotide variant.
Coding change: c.441C>T on transcript NM_001792.5 (MANE Select); coding-DNA position 441, C replaced by T.
Protein change: p.Phe147=; no amino-acid change (phenylalanine 147 retained).
Molecular consequence: synonymous variant.
Genome position (GRCh38, 1-based): chr18:28,011,951, G>A on the plus strand (C>T on the coding strand, the complement: CDH2 is on the minus strand). VCF-style: chr18-28011951-G-A. GRCh37 (hg19) VCF-style: chr18-25591915-G-A.
Other names: c.348C>T, p.Phe116= (NM_001308176.2).
Identifiers: ClinVar variation 1671981 (VCV001671981.12), dbSNP rs200543712, ClinGen allele CA8923685.

ClinVar aggregate classification (germline): Likely benign. Review status: criteria provided, multiple submitters, no conflicts (2 of 4 stars). 4 submissions from 4 submitters: Likely benign (4). Last evaluated 2025-12-30.

Conditions:
Inborn genetic diseases. Identifiers: MedGen C0950123, MeSH D030342.

Allele frequency attached by ClinVar (database versions not stated): ExAC 0.00002; gnomAD exomes 0.00002; gnomAD 0.00016 and 0.00018; TOPMed 0.00041.
gnomAD v4.1: 57 of 1,613,720 alleles (0.0035%); highest among the groups gnomAD compares: Admixed American, 0.052%; no homozygotes.

Submissions (4):

Labcorp Genetics (formerly Invitae), Labcorp
Classification: Likely benign. Last evaluated: 2025-12-30. Review status: criteria provided, single submitter. Criteria: Invitae Variant Classification Sherloc (09022015). Collection method: clinical testing. Allele origin: germline.

Molecular Diagnostic Laboratory for Inherited Cardiovascular Disease, Montreal Heart Institute
Classification: Likely benign. Last evaluated: 2025-07-24. Review status: criteria provided, single submitter. Criteria: ACMG Guidelines, 2015. Collection method: clinical testing. Allele origin: germline. Affected: no.
Comment: BP7

Blueprint Genetics
Classification: Likely benign. Last evaluated: 2021-02-11. Review status: criteria provided, single submitter. Criteria: ACMG Guidelines, 2015. Collection method: clinical testing. Allele origin: germline.

Ambry Genetics
Classification: Likely benign for Inborn genetic diseases. Last evaluated: 2020-03-13. Review status: criteria provided, single submitter. Criteria: Ambry Variant Classification Scheme 2023. Collection method: clinical testing. Allele origin: germline.